The following is an entry in ClinVar:

NM_000829.4(GRIA4):c.650G>T (p.Arg217Ile)

Gene: GRIA4 (glutamate ionotropic receptor AMPA type subunit 4; plus strand). Cytogenetic location: 11q22.3.
Variant type: single nucleotide variant.
Coding change: c.650G>T on transcript NM_000829.4 (MANE Select); coding-DNA position 650, G replaced by T.
Protein change: p.Arg217Ile; replaces arginine 217 with isoleucine.
Molecular consequence: missense variant. On other transcripts: non-coding transcript variant (1).
Genome position (GRCh38, 1-based): chr11:105,862,186, G>T. VCF-style: chr11-105862186-G-T. GRCh37 (hg19) VCF-style: chr11-105732912-G-T.
Other names: c.650G>T, p.Arg217Ile (NM_001077243.3, NM_001077244.2, NM_001112812.2 and 20 more transcripts); short protein forms R217I.
Identifiers: ClinVar variation 4621117 (VCV004621117.1).

ClinVar aggregate classification (germline): Uncertain significance (1 of 4 stars; one submission).

Conditions:
Inborn genetic diseases. Identifiers: MedGen C0950123, MeSH D030342.

gnomAD v4.1: 7 of 1,594,716 alleles (0.00044%); highest among the groups gnomAD compares: Non-Finnish European, 0.0006%; no homozygotes.

Submission:

Ambry Genetics
Classification: Uncertain significance for Inborn genetic diseases. Last evaluated: 2025-11-08. Review status: criteria provided, single submitter. Criteria: Ambry Variant Classification Scheme 2023. Collection method: clinical testing. Allele origin: germline.
Comment: The c.650G>T (p.R217I) alteration is located in exon 5 (coding exon 4) of the GRIA4 gene. This alteration results from a G to T substitution at nucleotide position 650, causing the arginine (R) at amino acid position 217 to be replaced by an isoleucine (I). Based on data from gnomAD, the T allele has an overall frequency of 0.003% (1/31374) total alleles studied. The highest observed frequency was 0.007% (1/15414) of European (non-Finnish) alleles. Based on insufficient or conflicting evidence, the clinical significance of this alteration remains unclear.